The following is an entry in ClinVar:

ClinVar aggregate classification (germline): Uncertain significance (1 of 4 stars; one submission).

Conditions:
Pyruvate carboxylase deficiency. Also called: Pyruvate Carboxylase Deficiency Disease; ATAXIA WITH LACTIC ACIDOSIS II; LEIGH NECROTIZING ENCEPHALOPATHY DUE TO PYRUVATE CARBOXYLASE DEFICIENCY; LEIGH SYNDROME DUE TO PYRUVATE CARBOXYLASE DEFICIENCY; PC DEFICIENCY. Identifiers: Orphanet 3008, MedGen C0034341, MONDO:0009949, OMIM 266150.

Submission:

Labcorp Genetics (formerly Invitae), Labcorp
Classification: Uncertain significance for Pyruvate carboxylase deficiency. Last evaluated: 2025-02-17. Review status: criteria provided, single submitter. Criteria: Invitae Variant Classification Sherloc (09022015). Collection method: clinical testing. Allele origin: germline.
Comment: This variant, c.2511_2531dup, results in the insertion of 7 amino acid(s) of the PC protein (p.Trp838_Leu844dup), but otherwise preserves the integrity of the reading frame. This variant is not present in population databases (gnomAD no frequency). This variant has not been reported in the literature in individuals affected with PC-related conditions. ClinVar contains an entry for this variant (Variation ID: 2006111). In summary, the available evidence is currently insufficient to determine the role of this variant in disease. Therefore, it has been classified as a Variant of Uncertain Significance.

NM_001040716.2(PC):c.2511_2531dup (p.Leu844_Tyr845insTrpGluGlyAlaArgGlyLeu)

Gene: PC (pyruvate carboxylase; minus strand). Cytogenetic location: 11q13.2.
Variant type: Duplication.
Coding change: c.2511_2531dup on transcript NM_001040716.2 (MANE Select); coding-DNA positions 2511 to 2531, 21 bases duplicated (CTGGGAGGGGGCTCGGGGACT).
Protein change: p.Leu844_Tyr845insTrpGluGlyAlaArgGlyLeu.
Molecular consequence: inframe insertion.
Genome position (GRCh38, 1-based): chr11:66,850,407-66,850,427, AGTCCCCGAGCCCCCTCCCAG duplicated on the plus strand (CTGGGAGGGGGCTCGGGGACT on the coding strand, the reverse complement: PC is on the minus strand). VCF-style (leftmost placement, unchanged base first): chr11-66850406-C-CAGTCCCCGAGCCCCCTCCCAG. GRCh37 (hg19) VCF-style: chr11-66617877-C-CAGTCCCCGAGCCCCCTCCCAG.
Other names: c.2511_2531dup, p.Leu844_Tyr845insTrpGluGlyAlaArgGlyLeu (NM_000920.4, NM_022172.3).
Identifiers: ClinVar variation 2006111 (VCV002006111.4), dbSNP rs2495428205, ClinGen allele CA2580084575.